The following is an entry in ClinVar:

ClinVar aggregate classification (germline): Uncertain significance (1 of 4 stars; one submission).

Conditions:
Long QT syndrome (LQTS). Identifiers: MedGen C0023976, MeSH D008133, MONDO:0002442. Disease mechanism: loss of function. Inheritance: Various modes of inheritance.

Submission:

Labcorp Genetics (formerly Invitae), Labcorp
Classification: Uncertain significance for Long QT syndrome. Last evaluated: 2020-07-09. Review status: criteria provided, single submitter. Criteria: Invitae Variant Classification Sherloc (09022015). Collection method: clinical testing. Allele origin: germline.
Comment: In summary, the available evidence is currently insufficient to determine the role of this variant in disease. Therefore, it has been classified as a Variant of Uncertain Significance. Experimental studies and prediction algorithms are not available or were not evaluated, and the functional significance of this variant is currently unknown. This variant has not been reported in the literature in individuals with KCNH2-related conditions. The frequency data for this variant in the population databases is considered unreliable, as metrics indicate insufficient coverage at this position in the ExAC database. This variant, c.571_579dup, results in the insertion of 3 amino acid(s) to the KCNH2 protein (p.Pro191_Ala193dup), but otherwise preserves the integrity of the reading frame.

NM_000238.4(KCNH2):c.571_579dup (p.Ala193_Val194insProGlyAla)

Gene: KCNH2 (potassium voltage-gated channel subfamily H member 2; minus strand). Cytogenetic location: 7q36.1.
Variant type: Duplication.
Coding change: c.571_579dup on transcript NM_000238.4 (MANE Select); coding-DNA positions 571 to 579, 9 bases duplicated (CCGGGGGCC; older notation c.571_579dupCCGGGGGCC).
Protein change: p.Ala193_Val194insProGlyAla.
Molecular consequence: inframe insertion. On other transcripts: inframe indel (5).
Genome position (GRCh38, 1-based): chr7:150,958,396-150,958,404, GGCCCCCGG duplicated on the plus strand (CCGGGGGCC on the coding strand, the reverse complement: KCNH2 is on the minus strand); duplicating any 9 consecutive bases within chr7:150,958,396-150,958,407 gives the same sequence; the c. name uses the placement nearest the transcript's 3' end. VCF-style (leftmost placement, unchanged base first): chr7-150958395-C-CGGCCCCCGG. GRCh37 (hg19) VCF-style: chr7-150655483-C-CGGCCCCCGG.
Other names: c.280_288dup, p.Ala97_Val98insProGlyAla (NM_001406753.1, NM_001406756.1); c.391_399dup, p.Ala134_Val135insProGlyAla (NM_001406755.1); c.268_276dup, p.Ala93_Val94insProGlyAla (NM_001406757.1); c.568_576dup, p.Ala193_Val194insProGlyAla (NM_172056.3).
Identifiers: ClinVar variation 1024250 (VCV001024250.10), dbSNP rs1801457419, ClinGen allele CA1752418572.
Genomic context (GRCh38, chr7:150,958,395, plus strand): 5'-CGTCCAGGGCCAGCGACTCGCTGCTGGGTGCCGCGGGCGTCAGGTCCACGTCCACCACCA[C>CGGCCCCCGG]GGCCCCCGGGGCGCCCGCGCCGCCCGCGCCGCCCGACCGCACCGACGACTCCCGGGCCGT-3'